The following is an entry in ClinVar:

ClinVar aggregate classification (germline): Uncertain significance. Review status: criteria provided, multiple submitters, no conflicts (2 of 4 stars). 2 submissions from 2 submitters: Uncertain significance (2). Last evaluated 2024-09-20.

Conditions:
Inborn genetic diseases. Identifiers: MedGen C0950123, MeSH D030342.

Allele frequency attached by ClinVar (database versions not stated): gnomAD exomes 0.00003 and 0.00005; ExAC 0.00006; TOPMed 0.00007; gnomAD 0.00011 and 0.00012; ESP Exome Variant Server 0.00015.
gnomAD v4.1: 62 of 1,613,738 alleles (0.0038%); highest among the groups gnomAD compares: African/African-American, 0.04%; no homozygotes.

Submissions (2):

Ambry Genetics
Classification: Uncertain significance for Inborn genetic diseases. Last evaluated: 2024-09-20. Review status: criteria provided, single submitter. Criteria: Ambry Variant Classification Scheme 2023. Collection method: clinical testing. Allele origin: germline.

Labcorp Genetics (formerly Invitae), Labcorp
Classification: Uncertain significance. Last evaluated: 2022-11-01. Review status: criteria provided, single submitter. Criteria: Invitae Variant Classification Sherloc (09022015). Collection method: clinical testing. Allele origin: germline.
Comment: This sequence change replaces arginine, which is basic and polar, with tryptophan, which is neutral and slightly polar, at codon 439 of the GRM6 protein (p.Arg439Trp). This variant is present in population databases (rs147576667, gnomAD 0.05%). This variant has not been reported in the literature in individuals affected with GRM6-related conditions. ClinVar contains an entry for this variant (Variation ID: 999842). Advanced modeling of protein sequence and biophysical properties (such as structural, functional, and spatial information, amino acid conservation, physicochemical variation, residue mobility, and thermodynamic stability) performed at Invitae indicates that this missense variant is not expected to disrupt GRM6 protein function. In summary, the available evidence is currently insufficient to determine the role of this variant in disease. Therefore, it has been classified as a Variant of Uncertain Significance.

NM_000843.4(GRM6):c.1315C>T (p.Arg439Trp)

Genes: GRM6 (glutamate metabotropic receptor 6; minus strand), ZNF454 (zinc finger protein 454; plus strand). Cytogenetic location: 5q35.3.
Variant type: single nucleotide variant.
Coding change: c.1315C>T on transcript NM_000843.4 (MANE Select); coding-DNA position 1315, C replaced by T.
Protein change: p.Arg439Trp; replaces arginine 439 with tryptophan.
Molecular consequence: missense variant.
Genome position (GRCh38, 1-based): chr5:178,988,974, G>A on the plus strand (C>T on the coding strand, the complement: GRM6 is on the minus strand). VCF-style: chr5-178988974-G-A. GRCh37 (hg19) VCF-style: chr5-178415975-G-A.
Other names: c.1315C>T (NM_000843.3); short protein forms R439W.
Identifiers: ClinVar variation 999842 (VCV000999842.5), dbSNP rs147576667, ClinGen allele CA3594127.
Genomic context (GRCh38, chr5:178,988,974, plus strand): 5'-GGGGGGCAGGCACCCACTCACCATTGAAGCGGACAGCTCGAATGTACTGCAGAAGCATCC[G>A]CCCATCAGTGGGTTCCATCGCCGGGCACAGGCCTGTGTGCCCAGGGCAGAGCGCCTGGTG-3'
Protein context (NP_000834.2, residues 429-449): LCPAMEPTDG[Arg439Trp]MLLQYIRAVR